The following is an entry in ClinVar:

ClinVar aggregate classification (germline): Uncertain significance. Review status: criteria provided, multiple submitters, no conflicts (2 of 4 stars). 3 submissions from 3 submitters: Uncertain significance (3). Last evaluated 2024-03-07.

Conditions:
Arrhythmogenic right ventricular cardiomyopathy (ARVD). Also called: Cardiomyopathy, ARVC; Arrhythmogenic right ventricular dysplasia; Arrhythmogenic cardiomyopathy; Arrhythmogenic Right Ventricular Cardiomyopathy (ARVC). Identifiers: Orphanet 247, MedGen C0349788, MeSH D019571, MONDO:0016587. Disease mechanism: loss of function. Inheritance: Various modes of inheritance.
Cardiomyopathy (CMYO). Also called: Cardiomyopathies. Identifiers: Orphanet 167848, MedGen C0878544, MONDO:0004994, HP:0001638. Inheritance: Various modes of inheritance.
Arrhythmogenic right ventricular dysplasia 10. Also called: Arrhythmogenic Right Ventricular Dysplasia/Cardiomyopathy10; ARRHYTHMOGENIC RIGHT VENTRICULAR DYSPLASIA, FAMILIAL, 10; Arrhythmogenic right ventricular dysplasia/cardiomyopathy, type 10. Identifiers: MedGen C1857777, MONDO:0012434, OMIM 610193.

Allele frequency attached by ClinVar (database versions not stated): gnomAD exomes below 0.00001.
gnomAD v4.1: 2 of 1,614,154 alleles (0.00012%); highest among the groups gnomAD compares: Non-Finnish European, 0.00017%; no homozygotes.

Submissions (3):

Color Diagnostics, LLC DBA Color Health
Classification: Uncertain significance for Cardiomyopathy. Last evaluated: 2024-03-07. Review status: criteria provided, single submitter. Criteria: ACMG Guidelines, 2015. Collection method: clinical testing. Allele origin: germline.
Comment: This missense variant replaces glutamic acid with alanine at codon 240 of the DSG2 protein. Computational prediction suggests that this variant may not impact protein structure and function (internally defined REVEL score threshold <= 0.5, PMID: 27666373). To our knowledge, functional studies have not been reported for this variant. This variant has not been reported in individuals affected with cardiovascular disorders in the literature. This variant has not been identified in the general population by the Genome Aggregation Database (gnomAD). The available evidence is insufficient to determine the role of this variant in disease conclusively. Therefore, this variant is classified as a Variant of Uncertain Significance.

All of Us Research Program, National Institutes of Health
Classification: Uncertain significance for Arrhythmogenic right ventricular cardiomyopathy. Last evaluated: 2024-03-05. Review status: criteria provided, single submitter. Criteria: ACMG Guidelines, 2015. Collection method: clinical testing. Allele origin: germline. Inheritance: Autosomal dominant inheritance. Observed: 1 variant allele, 1 heterozygote.
Comment: This missense variant replaces glutamic acid with alanine at codon 240 of the DSG2 protein. Computational prediction suggests that this variant may not impact protein structure and function (internally defined REVEL score threshold <= 0.5, PMID: 27666373). To our knowledge, functional studies have not been reported for this variant. This variant has not been reported in individuals affected with cardiovascular disorders in the literature. This variant has not been identified in the general population by the Genome Aggregation Database (gnomAD). The available evidence is insufficient to determine the role of this variant in disease conclusively. Therefore, this variant is classified as a Variant of Uncertain Significance.

This study involves interpretation of variants in research participants for the purpose of population health screening. Participant phenotype was not available at the time of variant classification. Additional details can be found in publication PMID: 35346344, PMCID: PMC8962531

Labcorp Genetics (formerly Invitae), Labcorp
Classification: Uncertain significance for Arrhythmogenic right ventricular dysplasia 10. Last evaluated: 2023-07-07. Review status: criteria provided, single submitter. Criteria: Invitae Variant Classification Sherloc (09022015). Collection method: clinical testing. Allele origin: germline.
Comment: This variant is not present in population databases (gnomAD no frequency). This sequence change replaces glutamic acid, which is acidic and polar, with alanine, which is neutral and non-polar, at codon 240 of the DSG2 protein (p.Glu240Ala). This variant has not been reported in the literature in individuals affected with DSG2-related conditions. In summary, the available evidence is currently insufficient to determine the role of this variant in disease. Therefore, it has been classified as a Variant of Uncertain Significance. Advanced modeling of protein sequence and biophysical properties (such as structural, functional, and spatial information, amino acid conservation, physicochemical variation, residue mobility, and thermodynamic stability) performed at Invitae indicates that this missense variant is not expected to disrupt DSG2 protein function. ClinVar contains an entry for this variant (Variation ID: 1172200).

NM_001943.5(DSG2):c.719A>C (p.Glu240Ala)

Gene: DSG2 (desmoglein 2; plus strand). Cytogenetic location: 18q12.1.
Variant type: single nucleotide variant.
Coding change: c.719A>C on transcript NM_001943.5 (MANE Select); coding-DNA position 719, A replaced by C.
Protein change: p.Glu240Ala; replaces glutamic acid 240 with alanine.
Molecular consequence: missense variant.
Genome position (GRCh38, 1-based): chr18:31,524,476, A>C. VCF-style: chr18-31524476-A-C. GRCh37 (hg19) VCF-style: chr18-29104439-A-C.
Other names: short protein forms E240A.
Identifiers: ClinVar variation 1172200 (VCV001172200.10), dbSNP rs2073148766, ClinGen allele CA402134917.
Genomic context (GRCh38, chr18:31,524,476, plus strand): 5'-CACCCAGCTGGACATTTTTCATTGCTCTGCAGGAACACAGCAGCTACACTTTGACAGTAG[A>C]AGCAAGAGATGGCAATGGAGAAGTTACAGACAAACCTGTAAAACAAGCTCAAGTTCAGAT-3'
Protein context (NP_001934.2, residues 230-250): EEHSSYTLTV[Glu240Ala]ARDGNGEVTD